The following is an entry in ClinVar:

ClinVar aggregate classification (germline): Benign/Likely benign. Review status: criteria provided, multiple submitters, no conflicts (2 of 4 stars). 3 submissions from 3 submitters: Benign (1); Likely benign (1). 1 of the submissions does not count toward it. Last evaluated 2025-11-17.

Conditions:
Desbuquois dysplasia 1 (DBQD1). Also called: DESBUQUOIS DYSPLASIA 1, KIM VARIANT; MICROMELIC DWARFISM WITH VERTEBRAL AND METAPHYSEAL ABNORMALITIES AND ADVANCED CARPOTARSAL OSSIFICATION. Identifiers: Orphanet 1425, MedGen C4012146, MONDO:0009629, OMIM 251450.
XYLT1-related disorder. Also called: XYLT1-related condition.

Allele frequency attached by ClinVar (database versions not stated): gnomAD 0.00006 and 0.00019; ESP Exome Variant Server 0.00008; TOPMed 0.00012; gnomAD exomes 0.00073; ExAC 0.00078; 1000 Genomes Project 0.00140; 1000 Genomes Project 30x 0.00141.
gnomAD v4.1: 552 of 1,614,092 alleles (0.034%); highest among the groups gnomAD compares: South Asian, 0.47%; 6 homozygotes.

Submissions (3):

Labcorp Genetics (formerly Invitae), Labcorp
Classification: Benign for Desbuquois dysplasia 1. Last evaluated: 2025-11-17. Review status: criteria provided, single submitter. Criteria: Invitae Variant Classification Sherloc (09022015). Collection method: clinical testing. Allele origin: germline.

Blueprint Genetics
Classification: Likely benign. Last evaluated: 2024-11-25. Review status: criteria provided, single submitter. Criteria: ACMG Guidelines, 2015. Collection method: clinical testing. Allele origin: germline.

PreventionGenetics, part of Exact Sciences
Classification: Likely benign for XYLT1-related condition. Last evaluated: 2020-08-31. Review status: no assertion criteria provided. Collection method: clinical testing. Allele origin: germline. Not counted in ClinVar's aggregate classification.
Comment: This variant is classified as likely benign based on ACMG/AMP sequence variant interpretation guidelines (Richards et al. 2015 PMID: 25741868, with internal and published modifications).

NM_022166.4(XYLT1):c.1626C>T (p.Cys542=)

Genes: XYLT1 (xylosyltransferase 1; minus strand), LOC102723692 (uncharacterized LOC102723692; plus strand). Cytogenetic location: 16p12.3.
Variant type: single nucleotide variant.
Coding change: c.1626C>T on transcript NM_022166.4 (MANE Select); coding-DNA position 1626, C replaced by T.
Protein change: p.Cys542=; no amino-acid change (cysteine 542 retained).
Molecular consequence: synonymous variant. On other transcripts: non-coding transcript variant (1).
Genome position (GRCh38, 1-based): chr16:17,138,493, G>A on the plus strand (C>T on the coding strand, the complement: XYLT1 is on the minus strand). VCF-style: chr16-17138493-G-A. GRCh37 (hg19) VCF-style: chr16-17232350-G-A.
Identifiers: ClinVar variation 788713 (VCV000788713.14), dbSNP rs377097003, ClinGen allele CA7927834.